The following is an entry in ClinVar:

ClinVar aggregate classification (germline): Uncertain significance (1 of 4 stars; one submission).

Conditions:
Benign neonatal seizures. Also called: Benign familial neonatal seizures; Convulsions benign familial neonatal dominant form; Autosomal dominant form of benign neonatal seizures; Benign neonatal familial convulsions; Benign familial neonatal epilepsy. Identifiers: Orphanet 1949, MedGen C0220669, MONDO:0016027.

Submission:

Labcorp Genetics (formerly Invitae), Labcorp
Classification: Uncertain significance for Benign neonatal seizures. Last evaluated: 2020-03-06. Review status: criteria provided, single submitter. Criteria: Invitae Variant Classification Sherloc (09022015). Collection method: clinical testing. Allele origin: germline.
Comment: This sequence change replaces glycine with valine at codon 219 of the KCNQ3 protein (p.Gly219Val). The glycine residue is highly conserved and there is a moderate physicochemical difference between glycine and valine. This variant is not present in population databases (ExAC no frequency). This variant has not been reported in the literature in individuals with KCNQ3-related conditions. Algorithms developed to predict the effect of missense changes on protein structure and function are either unavailable or do not agree on the potential impact of this missense change (SIFT: "Deleterious"; PolyPhen-2: "Probably Damaging"; Align-GVGD: "Class C15"). In summary, the available evidence is currently insufficient to determine the role of this variant in disease. Therefore, it has been classified as a Variant of Uncertain Significance.

NM_004519.4(KCNQ3):c.656G>T (p.Gly219Val)

Gene: KCNQ3 (potassium voltage-gated channel subfamily Q member 3; minus strand). Cytogenetic location: 8q24.22.
Variant type: single nucleotide variant.
Coding change: c.656G>T on transcript NM_004519.4 (MANE Select); coding-DNA position 656, G replaced by T.
Protein change: p.Gly219Val; replaces glycine 219 with valine.
Molecular consequence: missense variant.
Genome position (GRCh38, 1-based): chr8:132,180,278, C>A on the plus strand (G>T on the coding strand, the complement: KCNQ3 is on the minus strand). VCF-style: chr8-132180278-C-A. GRCh37 (hg19) VCF-style: chr8-133192525-C-A.
Other names: c.296G>T, p.Gly99Val (NM_001204824.2); short protein forms G219V, G99V.
Identifiers: ClinVar variation 863246 (VCV000863246.9), dbSNP rs1826713982, ClinGen allele CA372290903.
Genomic context (GRCh38, chr8:132,180,278, plus strand): 5'-CGCAGCATGCGCAGGATCTGCAGGAAGCGCAGGCTTCGCAGGGAGGTGGCCAGAACATTG[C>A]CTTGGTTTCCCACAGCAACCACTGGCACAGAGGCAATCAGCACAAAGATGTCTGGGAGAG-3'
Protein context (NP_004510.1, residues 209-229): SVPVVAVGNQ[Gly219Val]NVLATSLRSL